The following is an entry in ClinVar:

NM_004974.4(KCNA2):c.974T>A (p.Met325Lys)

Gene: KCNA2 (potassium voltage-gated channel subfamily A member 2; minus strand). Cytogenetic location: 1p13.3.
Variant type: single nucleotide variant.
Coding change: c.974T>A on transcript NM_004974.4 (MANE Select); coding-DNA position 974, T replaced by A.
Protein change: p.Met325Lys; replaces methionine 325 with lysine.
Molecular consequence: missense variant. On other transcripts: intron variant (1).
Genome position (GRCh38, 1-based): chr1:110,603,809, A>T on the plus strand (T>A on the coding strand, the complement: KCNA2 is on the minus strand). VCF-style: chr1-110603809-A-T. GRCh37 (hg19) VCF-style: chr1-111146431-A-T.
Other names: c.894+80T>A (NM_001204269.2); short protein forms M325K.
Identifiers: ClinVar variation 1345838 (VCV001345838.8), dbSNP rs2101398110, ClinGen allele CA341602554.
Genomic context (GRCh38, chr1:110,603,809, plus strand): 5'-GCACTAGAGAAAAGGATGACCCCTATGAAGAGAAAGAATATCAGGAGGCCCAATTCTCTC[A>T]TGCTGGCTTTGAGGGTCTGACCTAGAATCTGGAGACCTTTGGAGTGTCTGGACAACTTGA-3'
Protein context (NP_004965.1, residues 315-335): QILGQTLKAS[Met325Lys]RELGLLIFFL

ClinVar aggregate classification (germline): Uncertain significance (1 of 4 stars; one submission).

Conditions:
Developmental and epileptic encephalopathy, 32 (DEE32). Also called: Epileptic encephalopathy, early infantile, 32. Identifiers: Orphanet 442835, MedGen C4225350, MONDO:0014607, OMIM 616366.

Submission:

Labcorp Genetics (formerly Invitae), Labcorp
Classification: Uncertain significance for Developmental and epileptic encephalopathy, 32. Last evaluated: 2021-04-16. Review status: criteria provided, single submitter. Criteria: Invitae Variant Classification Sherloc (09022015). Collection method: clinical testing. Allele origin: germline.
Comment: In summary, the available evidence is currently insufficient to determine the role of this variant in disease. Therefore, it has been classified as a Variant of Uncertain Significance. Advanced modeling of protein sequence and biophysical properties (such as structural, functional, and spatial information, amino acid conservation, physicochemical variation, residue mobility, and thermodynamic stability) performed at Invitae indicates that this missense variant is expected to disrupt KCNA2 protein function. This variant has not been reported in the literature in individuals with KCNA2-related conditions. This variant is not present in population databases (ExAC no frequency). This sequence change replaces methionine with lysine at codon 325 of the KCNA2 protein (p.Met325Lys). The methionine residue is highly conserved and there is a moderate physicochemical difference between methionine and lysine.